The following is an entry in ClinVar:

ClinVar aggregate classification (germline): Conflicting classifications of pathogenicity. Review status: criteria provided, conflicting classifications (1 of 4 stars). 2 submissions from 2 submitters: Uncertain significance (1); Benign (1). Last evaluated 2025-10-08.

Conditions:
Fanconi anemia complementation group O. Also called: RAD51C-Related Fanconi Anemia. Identifiers: Orphanet 84, MedGen C3150653, MONDO:0013248, OMIM 613390.
Hereditary cancer-predisposing syndrome. Also called: Hereditary neoplastic syndrome; Neoplastic Syndromes, Hereditary; Tumor predisposition; Hereditary Cancer Syndrome. Identifiers: Orphanet 140162, MedGen C0027672, MeSH D009386, MONDO:0015356.

Allele frequency attached by ClinVar (database versions not stated): gnomAD exomes below 0.00001.
gnomAD v4.1: 1 of 1,611,400 alleles (0.000062%); highest among the groups gnomAD compares: Non-Finnish European, 0.000085%; no homozygotes.

Submissions (2):

Ambry Genetics
Classification: Benign for Hereditary cancer-predisposing syndrome. Last evaluated: 2025-10-08. Review status: criteria provided, single submitter. Criteria: Ambry Variant Classification Scheme 2023. Collection method: clinical testing. Allele origin: germline.

Labcorp Genetics (formerly Invitae), Labcorp
Classification: Uncertain significance for Fanconi anemia complementation group O. Last evaluated: 2024-04-22. Review status: criteria provided, single submitter. Criteria: Invitae Variant Classification Sherloc (09022015). Collection method: clinical testing. Allele origin: germline.
Comment: This sequence change replaces glutamic acid, which is acidic and polar, with lysine, which is basic and polar, at codon 375 of the RAD51C protein (p.Glu375Lys). This variant is not present in population databases (gnomAD no frequency). This variant has not been reported in the literature in individuals affected with RAD51C-related conditions. ClinVar contains an entry for this variant (Variation ID: 484762). An algorithm developed to predict the effect of missense changes on protein structure and function (PolyPhen-2) suggests that this variant is likely to be tolerated. Algorithms developed to predict the effect of sequence changes on RNA splicing suggest that this variant may disrupt the consensus splice site. In summary, the available evidence is currently insufficient to determine the role of this variant in disease. Therefore, it has been classified as a Variant of Uncertain Significance.

NM_058216.3(RAD51C):c.1123G>A (p.Glu375Lys)

Gene: RAD51C (RAD51 paralog C; plus strand). Cytogenetic location: 17q22.
Variant type: single nucleotide variant.
Coding change: c.1123G>A on transcript NM_058216.3 (MANE Select); coding-DNA position 1123, G replaced by A.
Protein change: p.Glu375Lys; replaces glutamic acid 375 with lysine.
Molecular consequence: missense variant. On other transcripts: non-coding transcript variant (1).
Genome position (GRCh38, 1-based): chr17:58,734,214, G>A. VCF-style: chr17-58734214-G-A. GRCh37 (hg19) VCF-style: chr17-56811575-G-A.
Other names: short protein forms E375K.
Identifiers: ClinVar variation 484762 (VCV000484762.15), dbSNP rs1555605640, ClinGen allele CA400366676.